The following is an entry in ClinVar:

ClinVar aggregate classification (germline): Uncertain significance (1 of 4 stars; one submission).

gnomAD v4.1: 1 of 1,551,614 alleles (0.000064%); no homozygotes.

Submission:

Labcorp Genetics (formerly Invitae), Labcorp
Classification: Uncertain significance. Last evaluated: 2025-10-09. Review status: criteria provided, single submitter. Criteria: Invitae Variant Classification Sherloc (09022015). Collection method: clinical testing. Allele origin: germline.
Comment: This sequence change replaces histidine, which is basic and polar, with glutamine, which is neutral and polar, at codon 1945 of the TET2 protein (p.His1945Gln). This variant is not present in population databases (gnomAD no frequency). This variant has not been reported in the literature in individuals affected with TET2-related conditions. ClinVar contains an entry for this variant (Variation ID: 3000441). An algorithm developed to predict the effect of missense changes on protein structure and function (PolyPhen-2) suggests that this variant is likely to be disruptive. In summary, the available evidence is currently insufficient to determine the role of this variant in disease. Therefore, it has been classified as a Variant of Uncertain Significance.

NM_001127208.3(TET2):c.5835T>A (p.His1945Gln)

Genes: TET2 (tet methylcytosine dioxygenase 2; plus strand), TET2-AS1 (TET2 antisense RNA 1; minus strand). Cytogenetic location: 4q24.
Variant type: single nucleotide variant.
Coding change: c.5835T>A on transcript NM_001127208.3 (MANE Select); coding-DNA position 5835, T replaced by A.
Protein change: p.His1945Gln; replaces histidine 1945 with glutamine.
Molecular consequence: missense variant.
Genome position (GRCh38, 1-based): chr4:105,276,345, T>A. VCF-style: chr4-105276345-T-A. GRCh37 (hg19) VCF-style: chr4-106197502-T-A.
Other names: short protein forms H1945Q.
Identifiers: ClinVar variation 3000441 (VCV003000441.3), dbSNP rs1482128139, ClinGen allele CA357796771.